The following is an entry in ClinVar:

NM_001267550.2(TTN):c.34954G>T (p.Val11652Leu)

Gene: TTN (titin; minus strand). Cytogenetic location: 2q31.2.
Variant type: single nucleotide variant.
Coding change: c.34954G>T on transcript NM_001267550.2 (MANE Select); coding-DNA position 34954, G replaced by T.
Protein change: p.Val11652Leu; replaces valine 11652 with leucine.
Molecular consequence: missense variant. On other transcripts: intron variant (3).
Genome position (GRCh38, 1-based): chr2:178,672,244, C>A on the plus strand (G>T on the coding strand, the complement: TTN is on the minus strand). VCF-style: chr2-178672244-C-A. GRCh37 (hg19) VCF-style: chr2-179536971-C-A.
Other names: p.V11278L:GTA>TTA; c.33832G>T, p.Val11278Leu (NM_001256850.1); c.31051G>T, p.Val10351Leu (NM_133378.4); c.13283-29927G>T (NM_003319.4); c.13859-29927G>T (NM_133437.4); c.13658-29927G>T (NM_133432.3); short protein forms V11278L, V11652L, V10351L.
Identifiers: ClinVar variation 202593 (VCV000202593.15), dbSNP rs371752190, ClinGen allele CA309695.

ClinVar aggregate classification (germline): Uncertain significance. Review status: criteria provided, multiple submitters, no conflicts (2 of 4 stars). 6 submissions from 6 submitters: Uncertain significance (5). 1 of the submissions does not count toward it. Last evaluated 2026-09-22.

Conditions:
TTN-related disorder. Also called: TTN-related condition; TTN-related disease; TTN-related disorders.
Dilated cardiomyopathy 1G (CMD1G). Identifiers: Orphanet 154, MedGen C1858763, MONDO:0011400, OMIM 604145.
Autosomal recessive limb-girdle muscular dystrophy type 2J (LGMDR10). Also called: Limb-girdle muscular dystrophy, type 2J; MUSCULAR DYSTROPHY, LIMB-GIRDLE, AUTOSOMAL RECESSIVE 10. Identifiers: Orphanet 140922, MedGen C1837342, MONDO:0012127, OMIM 608807.

Allele frequency attached by ClinVar (database versions not stated): ExAC 0.00003; gnomAD 0.00010; TOPMed 0.00014; ESP Exome Variant Server 0.00017.
gnomAD v4.1: 33 of 1,572,426 alleles (0.0021%); highest among the groups gnomAD compares: African/African-American, 0.041%; no homozygotes.

Submissions (6):

PreventionGenetics, part of Exact Sciences
Classification: Uncertain significance for TTN-related condition. Last evaluated: 2026-09-22. Review status: criteria provided, single submitter. Criteria: ACMG Guidelines, 2015. Collection method: clinical testing. Allele origin: germline.
Comment: The TTN c.34954G>T variant is predicted to result in the amino acid substitution p.Val11652Leu. To our knowledge, this variant has not been reported in the literature. This variant is reported in 0.031% of alleles in individuals of African descent in gnomAD. At this time, the clinical significance of this variant is uncertain due to the absence of conclusive functional and genetic evidence.

Women's Health and Genetics/Laboratory Corporation of America, LabCorp
Classification: Uncertain significance. Last evaluated: 2025-06-20. Review status: criteria provided, single submitter. Criteria: LabCorp Variant Classification Summary - May 2015. Collection method: clinical testing. Allele origin: germline.

ARUP Laboratories, Molecular Genetics and Genomics, ARUP Laboratories
Classification: Uncertain significance. Last evaluated: 2020-08-11. Review status: criteria provided, single submitter. Criteria: ARUP Molecular Germline Variant Investigation Process. Collection method: clinical testing. Allele origin: germline.
Comment: The TTN c.34954G>T; p.Val11652Leu variant (rs371752190; ClinVar Variation ID: 202593) is rare in the general population (<0.2% allele frequency in the Genome Aggregation Database) and has not been reported in the medical literature in association with dilated cardiomyopathy (DCM) or other TTN-related disease. The clinical relevance of rare missense variants in this gene, which are identified on average once per individual sequenced in affected populations (Herman 2012), is not well understood. Yet, evidence suggests that the vast majority of such missense variants do not contribute to the clinical outcome of DCM (Begay 2015). Thus, the clinical significance of the p.Val11652Leu variant cannot be determined with certainty.

Revvity Omics, Revvity
Classification: Uncertain significance. Last evaluated: 2019-09-09. Review status: criteria provided, single submitter. Criteria: ACMG Guidelines, 2015. Collection method: clinical testing. Allele origin: germline.

Labcorp Genetics (formerly Invitae), Labcorp
Classification: Uncertain significance for Dilated cardiomyopathy 1G; Autosomal recessive limb-girdle muscular dystrophy type 2J. Last evaluated: 2017-12-11. Review status: criteria provided, single submitter. Criteria: Invitae Variant Classification Sherloc (09022015). Collection method: clinical testing. Allele origin: germline.

GeneDx
No classification provided. Last evaluated: 2014-06-20. Review status: no classification provided. Criteria: GeneDx Variant Classification (06012015). Collection method: clinical testing. Allele origin: germline. Affected: yes. Not counted in ClinVar's aggregate classification.
Comment: Missense variants in the TTN gene are considered 'unclassified' if they are not previously reported in the literature and do not have >1% frequency in the population to be considered a polymorphism. Research indicates that truncating mutations in the TTN gene are expected to account for approximately 25% of familial and 18% of sporadic idiopathic DCM; however, truncating variants in the TTN gene have been reported in approximately 3% of reported control alleles. There has been little investigation into non-truncating variants. (Herman D et al. Truncations of titin causing dilated cardiomyopathy. N Eng J Med 366:619-628, 2012) The variant is found in DCM-CRDM panel(s).